The following is an entry in ClinVar:

ClinVar aggregate classification (germline): Uncertain significance (1 of 4 stars; one submission).

Conditions:
DOCK2 deficiency. Also called: Immunodeficiency 40. Identifiers: Orphanet 447737, MedGen C4225328, MONDO:0014637, OMIM 616433.

Allele frequency attached by ClinVar (database versions not stated): ExAC 0.00002; gnomAD exomes 0.00002; gnomAD 0.00007.
gnomAD v4.1: 21 of 1,613,888 alleles (0.0013%); highest among the groups gnomAD compares: Admixed American, 0.0017%; no homozygotes.

Submission:

Labcorp Genetics (formerly Invitae), Labcorp
Classification: Uncertain significance for DOCK2 deficiency. Last evaluated: 2021-11-09. Review status: criteria provided, single submitter. Criteria: Invitae Variant Classification Sherloc (09022015). Collection method: clinical testing. Allele origin: germline.
Comment: This sequence change replaces valine, which is neutral and non-polar, with methionine, which is neutral and non-polar, at codon 406 of the DOCK2 protein (p.Val406Met). This variant is present in population databases (rs761943047, gnomAD 0.02%). This variant has not been reported in the literature in individuals affected with DOCK2-related conditions. ClinVar contains an entry for this variant (Variation ID: 858950). Algorithms developed to predict the effect of missense changes on protein structure and function are either unavailable or do not agree on the potential impact of this missense change (SIFT: "Tolerated"; PolyPhen-2: "Possibly Damaging"; Align-GVGD: "Class C0"). In summary, the available evidence is currently insufficient to determine the role of this variant in disease. Therefore, it has been classified as a Variant of Uncertain Significance.

NM_004946.3(DOCK2):c.1216G>A (p.Val406Met)

Gene: DOCK2 (dedicator of cytokinesis 2; plus strand). Cytogenetic location: 5q35.1.
Variant type: single nucleotide variant.
Coding change: c.1216G>A on transcript NM_004946.3 (MANE Select); coding-DNA position 1216, G replaced by A.
Protein change: p.Val406Met; replaces valine 406 with methionine.
Molecular consequence: missense variant. On other transcripts: non-coding transcript variant (1).
Genome position (GRCh38, 1-based): chr5:169,700,097, G>A. VCF-style: chr5-169700097-G-A. GRCh37 (hg19) VCF-style: chr5-169127101-G-A.
Other names: short protein forms V406M.
Identifiers: ClinVar variation 858950 (VCV000858950.5), dbSNP rs761943047, ClinGen allele CA3553399.